The following is an entry in ClinVar:

ClinVar aggregate classification (germline): Likely benign. Review status: criteria provided, multiple submitters, no conflicts (2 of 4 stars). 4 submissions from 3 submitters: Likely benign (4). Last evaluated 2025-07-03.

Conditions:
Developmental and epileptic encephalopathy, 14 (DEE14). Also called: Early infantile epileptic encephalopathy 14. Identifiers: Orphanet 293181, MedGen C3554195, MONDO:0013989, OMIM 614959.
Autosomal dominant nocturnal frontal lobe epilepsy 5. Also called: KCNT1-Related Epilepsy; CILIARY DYSKINESIA, PRIMARY, 28, WITHOUT SITUS INVERSUS; CILIARY DYSKINESIA, PRIMARY, 28, WITH SITUS INVERSUS; Epilepsy, nocturnal frontal lobe, 5. Identifiers: Orphanet 98784, MedGen C3554306, MONDO:0014002, OMIM 615005.

Allele frequency attached by ClinVar (database versions not stated): TOPMed 0.00006; gnomAD 0.00007 and 0.00008; ESP Exome Variant Server 0.00008.
gnomAD v4.1: 21 of 1,602,040 alleles (0.0013%); highest among the groups gnomAD compares: African/African-American, 0.024%; no homozygotes.

Submissions (4):

Labcorp Genetics (formerly Invitae), Labcorp
Classification: Likely benign for Autosomal dominant nocturnal frontal lobe epilepsy 5; Developmental and epileptic encephalopathy, 14. Last evaluated: 2025-07-03. Review status: criteria provided, single submitter. Criteria: Invitae Variant Classification Sherloc (09022015). Collection method: clinical testing. Allele origin: germline.

Genome-Nilou Lab
Classification: Likely benign for Developmental and epileptic encephalopathy, 14. Last evaluated: 2022-03-15. Review status: criteria provided, single submitter. Criteria: ACMG Guidelines, 2015. Collection method: clinical testing. Allele origin: germline. Affected: no.

Genome-Nilou Lab
Classification: Likely benign for Autosomal dominant nocturnal frontal lobe epilepsy 5. Last evaluated: 2022-03-15. Review status: criteria provided, single submitter. Criteria: ACMG Guidelines, 2015. Collection method: clinical testing. Allele origin: germline. Affected: no.

GeneDx
Classification: Likely benign. Last evaluated: 2017-06-21. Review status: criteria provided, single submitter. Criteria: GeneDx Variant Classification (06012015). Collection method: clinical testing. Allele origin: germline. Affected: yes.
Comment: This variant is considered likely benign or benign based on one or more of the following criteria: it is a conservative change, it occurs at a poorly conserved position in the protein, it is predicted to be benign by multiple in silico algorithms, and/or has population frequency not consistent with disease.

NM_020822.3(KCNT1):c.1323C>T (p.Asp441=)

Gene: KCNT1 (potassium sodium-activated channel subfamily T member 1; plus strand). Cytogenetic location: 9q34.3.
Variant type: single nucleotide variant.
Coding change: c.1323C>T on transcript NM_020822.3 (MANE Select); coding-DNA position 1323, C replaced by T.
Protein change: p.Asp441=; no amino-acid change (aspartic acid 441 retained).
Molecular consequence: synonymous variant.
Genome position (GRCh38, 1-based): chr9:135,765,746, C>T. VCF-style: chr9-135765746-C-T. GRCh37 (hg19) VCF-style: chr9-138657592-C-T.
Other names: c.1188C>T, p.Asp396= (NM_001272003.2).
Identifiers: ClinVar variation 389333 (VCV000389333.11), dbSNP rs368477306, ClinGen allele CA5326842.